The following is an entry in ClinVar:

NM_001040142.2(SCN2A):c.1109T>G (p.Phe370Cys)

Gene: SCN2A (sodium voltage-gated channel alpha subunit 2; plus strand). Cytogenetic location: 2q24.3.
Variant type: single nucleotide variant.
Coding change: c.1109T>G on transcript NM_001040142.2 (MANE Select); coding-DNA position 1109, T replaced by G.
Protein change: p.Phe370Cys; replaces phenylalanine 370 with cysteine.
Molecular consequence: missense variant.
Genome position (GRCh38, 1-based): chr2:165,313,694, T>G. VCF-style: chr2-165313694-T-G. GRCh37 (hg19) VCF-style: chr2-166170204-T-G.
Other names: c.1109T>G, p.Phe370Cys (NM_001040143.2, NM_001371246.1, NM_001371247.1 and 1 more transcripts); short protein forms F370C.
Identifiers: ClinVar variation 1712197 (VCV001712197.2), dbSNP rs1697568690, ClinGen allele CA349020773.

ClinVar aggregate classification (germline): Uncertain significance (1 of 4 stars; one submission).

Allele frequency attached by ClinVar (database versions not stated): TOPMed below 0.00001.

Submission:

GeneDx
Classification: Uncertain significance. Last evaluated: 2022-03-23. Review status: criteria provided, single submitter. Criteria: GeneDx Variant Classification Process June 2021. Collection method: clinical testing. Allele origin: germline. Affected: yes.
Comment: Not observed at significant frequency in large population cohorts (gnomAD); Missense variants in this gene are often considered pathogenic (HGMD); In silico analysis supports that this missense variant has a deleterious effect on protein structure/function; Has not been previously published as pathogenic or benign to our knowledge; This substitution is predicted to be within the pore forming loop between the S5 and S6 transmembrane segments of the first homologous domain.